The following is an entry in ClinVar:

ClinVar aggregate classification (germline): Uncertain significance (1 of 4 stars; one submission).

Conditions:
Familial hemophagocytic lymphohistiocytosis 4 (FHL4). Also called: STX11-Related Familial Hemophagocytic Lymphohistiocytosis (STX11-fHLH). Identifiers: Orphanet 540, MedGen C1863728, MONDO:0011336, OMIM 603552.

Submission:

Labcorp Genetics (formerly Invitae), Labcorp
Classification: Uncertain significance for Hemophagocytic lymphohistiocytosis, familial, 4. Last evaluated: 2018-02-20. Review status: criteria provided, single submitter. Criteria: Invitae Variant Classification Sherloc (09022015). Collection method: clinical testing. Allele origin: germline.
Comment: This sequence change replaces aspartic acid with alanine at codon 223 of the STX11 protein (p.Asp223Ala). The aspartic acid residue is weakly conserved and there is a moderate physicochemical difference between aspartic acid and alanine. This variant is not present in population databases (ExAC no frequency). This variant has not been reported in the literature in individuals with STX11-related disease. Algorithms developed to predict the effect of missense changes on protein structure and function do not agree on the potential impact of this missense change (SIFT: "Tolerated"; PolyPhen-2: "Probably Damaging"; Align-GVGD: "Class C0"). In summary, the available evidence is currently insufficient to determine the role of this variant in disease. Therefore, it has been classified as a Variant of Uncertain Significance.

NM_003764.4(STX11):c.668A>C (p.Asp223Ala)

Gene: STX11 (syntaxin 11; plus strand). Cytogenetic location: 6q24.2.
Variant type: single nucleotide variant.
Coding change: c.668A>C on transcript NM_003764.4 (MANE Select); coding-DNA position 668, A replaced by C.
Protein change: p.Asp223Ala; replaces aspartic acid 223 with alanine.
Molecular consequence: missense variant.
Genome position (GRCh38, 1-based): chr6:144,187,295, A>C. VCF-style: chr6-144187295-A-C. GRCh37 (hg19) VCF-style: chr6-144508432-A-C.
Other names: c.668A>C (LRG_113t1); short protein forms D223A.
Identifiers: ClinVar variation 536230 (VCV000536230.1), dbSNP rs1554294411, ClinGen allele CA365949737.
Genomic context (GRCh38, chr6:144,187,295, plus strand): 5'-CCCTCAACGAGATCGAGAGCCGCCACCGCGAACTGCTGCGCCTGGAGAGCCGCATCCGCG[A>C]CGTACACGAGCTCTTCTTGCAGATGGCGGTGCTGGTGGAGAAGCAGGCCGACACCCTGAA-3'
Protein context (NP_003755.2, residues 213-233): ELLRLESRIR[Asp223Ala]VHELFLQMAV